The following is an entry in ClinVar:

ClinVar aggregate classification (germline): Pathogenic (0 of 4 stars; one submission).

Conditions:
Autosomal recessive nonsyndromic hearing loss 9. Also called: NEUROSENSORY NONSYNDROMIC RECESSIVE DEAFNESS 9; OTOF-Related Hearing Loss; Deafness, autosomal recessive 9; AUDITORY NEUROPATHY, AUTOSOMAL RECESSIVE, 1, TEMPERATURE-SENSITIVE. Identifiers: Orphanet 90636, MedGen C1832828, MONDO:0010986, OMIM 601071.

Submission:

Diagnosis and Treatment Center of Genetic Hearing Loss, Eye & ENT Hospital of Fudan University
Classification: Pathogenic for Autosomal recessive nonsyndromic hearing loss 9. Last evaluated: 2026-02-04. Review status: no assertion criteria provided. Collection method: clinical testing. Allele origin: germline. Inheritance: Autosomal recessive inheritance. Affected: yes.
Comment: The c.1824delA frameshift variant in OTOF leads to a premature stop codon at amino acid 1695 and predicted NMD (PVS1). It is absent from population databases (PM2_Supporting). It was detected in trans with likely pathogenic c.5082dupC (PM3).

NM_194248.3(OTOF):c.1824del (p.Glu609fs)

Gene: OTOF (otoferlin; minus strand). Cytogenetic location: 2p23.3.
Variant type: Deletion.
Coding change: c.1824del on transcript NM_194248.3 (MANE Select); coding-DNA position 1824, one base deleted (A; older notation c.1824delA).
Protein change: p.Glu609fs; shifts the reading frame from glutamic acid 609.
Molecular consequence: frameshift variant.
Genome position (GRCh38, 1-based): chr2:26,480,291, T deleted on the plus strand (A on the coding strand, the reverse complement: OTOF is on the minus strand); the first of 2 consecutive T bases (chr2:26,480,291-26,480,292); deleting either gives the same sequence. VCF-style (leftmost placement, unchanged base first): chr2-26480290-CT-C. GRCh37 (hg19) VCF-style: chr2-26703158-CT-C.
Other names: c.1824del, p.Glu609fs (NM_001287489.2); short protein forms E609fs.
Identifiers: ClinVar variation 4879946 (VCV004879946.1).